The following is an entry in ClinVar:

ClinVar aggregate classification (germline): Uncertain significance (1 of 4 stars; one submission).

Allele frequency attached by ClinVar (database versions not stated): ExAC 0.00001; gnomAD 0.00001; 1000 Genomes Project 0.00020; 1000 Genomes Project 30x 0.00031.
gnomAD v4.1: 1 of 1,613,828 alleles (0.000062%); highest among the groups gnomAD compares: African/African-American, 0.0013%; no homozygotes.

Submission:

GeneDx
Classification: Uncertain significance. Last evaluated: 2022-09-13. Review status: criteria provided, single submitter. Criteria: GeneDx Variant Classification Process June 2021. Collection method: clinical testing. Allele origin: germline. Affected: yes.
Comment: Not observed at significant frequency in large population cohorts (gnomAD); In silico analysis supports that this missense variant has a deleterious effect on protein structure/function; Has not been previously published as pathogenic or benign to our knowledge

NM_003054.6(SLC18A2):c.448G>A (p.Gly150Arg)

Gene: SLC18A2 (solute carrier family 18 member A2; plus strand). Cytogenetic location: 10q25.3.
Variant type: single nucleotide variant.
Coding change: c.448G>A on transcript NM_003054.6 (MANE Select); coding-DNA position 448, G replaced by A.
Protein change: p.Gly150Arg; replaces glycine 150 with arginine.
Molecular consequence: missense variant.
Genome position (GRCh38, 1-based): chr10:117,244,297, G>A. VCF-style: chr10-117244297-G-A. GRCh37 (hg19) VCF-style: chr10-119003808-G-A.
Other names: short protein forms G150R.
Identifiers: ClinVar variation 2443677 (VCV002443677.1), dbSNP rs199997169, ClinGen allele CA5710267.